The following is an entry in ClinVar:

ClinVar aggregate classification (germline): Benign/Likely benign. Review status: criteria provided, multiple submitters, no conflicts (2 of 4 stars). 4 submissions from 4 submitters: Benign (1); Likely benign (3). Last evaluated 2024-07-19.

Conditions:
Hereditary cancer-predisposing syndrome. Also called: Tumor predisposition; Hereditary Cancer Syndrome; Hereditary neoplastic syndrome; Neoplastic Syndromes, Hereditary. Identifiers: Orphanet 140162, MedGen C0027672, MeSH D009386, MONDO:0015356.
Familial cancer of breast. Also called: BREAST CANCER, FAMILIAL; hereditary breast carcinoma; Hereditary breast cancer. Identifiers: Orphanet 227535, MedGen C0346153, MONDO:0016419, OMIM 114480. Disease mechanism: loss of function.
Ataxia-telangiectasia syndrome (AT). Also called: LOUIS-BAR SYNDROME; Cerebello-oculocutaneous telangiectasia; Immunodeficiency with ataxia telangiectasia; ATAXIA-TELANGIECTASIA, COMPLEMENTATION GROUP A; ATAXIA-TELANGIECTASIA, FRESNO VARIANT; Ataxia-telangiectasia. Identifiers: Orphanet 100, MedGen C0004135, MONDO:0008840, OMIM 208900.

Allele frequency attached by ClinVar (database versions not stated): gnomAD exomes 0.00001.
gnomAD v4.1: 9 of 1,614,172 alleles (0.00056%); highest among the groups gnomAD compares: Non-Finnish European, 0.00076%; no homozygotes.

Submissions (4):

Ambry Genetics
Classification: Likely benign for Hereditary cancer-predisposing syndrome. Last evaluated: 2024-07-19. Review status: criteria provided, single submitter. Criteria: Ambry Variant Classification Scheme 2023. Collection method: clinical testing. Allele origin: germline.

Myriad Genetics, Inc.
Classification: Benign for Familial cancer of breast. Last evaluated: 2024-04-29. Review status: criteria provided, single submitter. Criteria: Myriad Autosomal Dominant, Autosomal Recessive and X-Linked Classification Criteria (2023). Collection method: clinical testing. Allele origin: unknown.
Comment: This variant is considered benign. This variant is a silent/synonymous amino acid change and it is not expected to impact splicing.

Color Diagnostics, LLC DBA Color Health
Classification: Likely benign for Hereditary cancer-predisposing syndrome. Last evaluated: 2023-08-28. Review status: criteria provided, single submitter. Criteria: ACMG Guidelines, 2015. Collection method: clinical testing. Allele origin: germline.

Labcorp Genetics (formerly Invitae), Labcorp
Classification: Likely benign for Ataxia-telangiectasia syndrome. Last evaluated: 2020-03-23. Review status: criteria provided, single submitter. Criteria: Invitae Variant Classification Sherloc (09022015). Collection method: clinical testing. Allele origin: germline.

NM_000051.4(ATM):c.1416A>G (p.Leu472=)

Gene: ATM (ATM serine/threonine kinase; plus strand). Cytogenetic location: 11q22.3.
Variant type: single nucleotide variant.
Coding change: c.1416A>G on transcript NM_000051.4 (MANE Select); coding-DNA position 1416, A replaced by G.
Protein change: p.Leu472=; no amino-acid change (leucine 472 retained).
Molecular consequence: synonymous variant.
Genome position (GRCh38, 1-based): chr11:108,250,881, A>G. VCF-style: chr11-108250881-A-G. GRCh37 (hg19) VCF-style: chr11-108121608-A-G.
Other names: c.1416A>G, p.Leu472= (NM_001351834.2).
Identifiers: ClinVar variation 184785 (VCV000184785.16), dbSNP rs786201691, ClinGen allele CA190045.
Genomic context (GRCh38, chr11:108,250,881, plus strand): 5'-ACCATATGTGTTACGATGCCTTACGGAAGTTGCATTGTGTCAAGACAAGAGGTCAAACCT[A>G]GAAAGCTCACAAAAGTCAGATTTATTAAAACTCTGGAATAAAATTTGGTGTATTACCTTT-3'
Protein context (NP_000042.3, residues 462-482): VALCQDKRSN[Leu472=]ESSQKSDLLK